The following is an entry in ClinVar:

ClinVar aggregate classification (germline): Conflicting classifications of pathogenicity. Review status: criteria provided, conflicting classifications (1 of 4 stars). 3 submissions from 3 submitters: Uncertain significance (1); Likely benign (2). Last evaluated 2025-05-07.

Submissions (3):

GeneDx
Classification: Uncertain significance. Last evaluated: 2025-05-07. Review status: criteria provided, single submitter. Criteria: GeneDx Variant Classification Process June 2021. Collection method: clinical testing. Allele origin: germline.
Comment: Nucleotide is not conserved across species and the substitution has no predicted effect on splicing; Has not been previously published as pathogenic or benign to our knowledge; Alters the Kozak sequence, which plays a major role in the initiation of translation

Mayo Clinic Laboratories, Mayo Clinic
Classification: Likely benign. Last evaluated: 2025-03-20. Review status: criteria provided, single submitter. Criteria: ACMG Guidelines, 2015. Collection method: clinical testing. Allele origin: germline. Observed: 1 variant allele.
Comment: BS1, BP4

Blueprint Genetics
Classification: Likely benign. Last evaluated: 2024-10-02. Review status: criteria provided, single submitter. Criteria: ACMG Guidelines, 2015. Collection method: clinical testing. Allele origin: germline.

NM_138773.4(SLC25A46):c.-5C>A

Gene: SLC25A46 (solute carrier family 25 member 46; plus strand). Cytogenetic location: 5q22.1.
Variant type: single nucleotide variant.
Coding change: c.-5C>A on transcript NM_138773.4 (MANE Select); 5 bases upstream of the start codon, C replaced by A.
Molecular consequence: 5 prime UTR variant. On other transcripts: intron variant (1), non-coding transcript variant (1).
Genome position (GRCh38, 1-based): chr5:110,739,115, C>A. VCF-style: chr5-110739115-C-A. GRCh37 (hg19) VCF-style: chr5-110074816-C-A.
Other names: c.10+868C>A (NM_001303250.3); c.-5C>A (NM_001303249.3).
Identifiers: ClinVar variation 3572475 (VCV003572475.4).